The following is an entry in ClinVar:

NM_174936.4(PCSK9):c.1686C>T (p.Cys562=)

Gene: PCSK9 (proprotein convertase subtilisin/kexin type 9; plus strand). Cytogenetic location: 1p32.3.
Variant type: single nucleotide variant.
Coding change: c.1686C>T on transcript NM_174936.4 (MANE Select); coding-DNA position 1686, C replaced by T.
Protein change: p.Cys562=; no amino-acid change (cysteine 562 retained).
Molecular consequence: synonymous variant. On other transcripts: non-coding transcript variant (8).
Genome position (GRCh38, 1-based): chr1:55,061,379, C>T. VCF-style: chr1-55061379-C-T. GRCh37 (hg19) VCF-style: chr1-55527052-C-T.
Other names: c.1809C>T, p.Cys603= (NM_001407240.1); c.1728C>T, p.Cys576= (NM_001407241.1); c.1689C>T, p.Cys563= (NM_001407242.1); c.1629C>T, p.Cys543= (NM_001407243.1); c.1512C>T, p.Cys504= (NM_001407244.1); c.1494C>T, p.Cys498= (NM_001407245.1); c.1311C>T, p.Cys437= (NM_001407246.1); c.1185C>T, p.Cys395= (NM_001407247.1).
Identifiers: ClinVar variation 1115734 (VCV001115734.11), dbSNP rs762083133, ClinGen allele CA038522.

ClinVar aggregate classification (germline): Likely benign. Review status: criteria provided, multiple submitters, no conflicts (2 of 4 stars). 5 submissions from 5 submitters: Likely benign (5). Last evaluated 2023-12-01.

Conditions:
Familial hypercholesterolemia. Also called: Familial hypercholesterolaemia; Familial hypercholesterolemias. Identifiers: MedGen C0020445, MONDO:0005439.
Cardiovascular phenotype. Identifiers: MedGen CN230736.
Hypercholesterolemia, autosomal dominant, 3 (FHCL3). Also called: PCSK9-Related Familial Hypercholesterolemia, Autosomal Dominant; Familial hypercholesterolemia 3; Familial Hypercholesterolemia, Autosomal Dominant, 3. Identifiers: MedGen C1863551, MONDO:0011369, OMIM 603776.

Allele frequency attached by ClinVar (database versions not stated): ExAC 0.00001; gnomAD 0.00001; gnomAD exomes 0.00001; TOPMed 0.00001.
gnomAD v4.1: 13 of 1,606,640 alleles (0.00081%); highest among the groups gnomAD compares: Admixed American, 0.0017%; no homozygotes.

Submissions (5):

All of Us Research Program, National Institutes of Health
Classification: Likely benign for Hypercholesterolemia, autosomal dominant, 3. Last evaluated: 2023-12-01. Review status: criteria provided, single submitter. Criteria: ACMG Guidelines, 2015. Collection method: clinical testing. Allele origin: germline. Inheritance: Autosomal dominant inheritance. Observed: 2 variant alleles, 2 heterozygotes.
Comment: This study involves interpretation of variants in research participants for the purpose of population health screening. Participant phenotype was not available at the time of variant classification. Additional details can be found in publication PMID: 35346344, PMCID: PMC8962531

GENinCode PLC
Classification: Likely benign for Familial hypercholesterolemia. Last evaluated: 2023-06-01. Review status: criteria provided, single submitter. Criteria: ACMG Guidelines, 2015. Collection method: clinical testing. Allele origin: germline.
Comment: This is a synonymous (silent) variant that is not predicted by SpliceAI to impact splicing. In addition, it occurs at a nucleotide that is not conserved. Therefore this variant has been classified as Likely Benign (BP4, BP7).

Color Diagnostics, LLC DBA Color Health
Classification: Likely benign for Familial hypercholesterolemia. Last evaluated: 2021-08-23. Review status: criteria provided, single submitter. Criteria: ACMG Guidelines, 2015. Collection method: clinical testing. Allele origin: germline.

Ambry Genetics
Classification: Likely benign for Cardiovascular phenotype. Last evaluated: 2021-08-07. Review status: criteria provided, single submitter. Criteria: Ambry Variant Classification Scheme 2023. Collection method: clinical testing. Allele origin: germline.

Labcorp Genetics (formerly Invitae), Labcorp
Classification: Likely benign for Hypercholesterolemia, autosomal dominant, 3. Last evaluated: 2020-06-03. Review status: criteria provided, single submitter. Criteria: Invitae Variant Classification Sherloc (09022015). Collection method: clinical testing. Allele origin: germline.